The following is an entry in ClinVar:

NM_022124.6(CDH23):c.3431-2A>G

Genes: C10orf105 (chromosome 10 open reading frame 105; minus strand), CDH23 (cadherin related 23; plus strand). Cytogenetic location: 10q22.1.
Variant type: single nucleotide variant.
Coding change: c.3431-2A>G on transcript NM_022124.6 (MANE Select); the canonical splice acceptor site of the intron before coding-DNA position 3431, A replaced by G.
Molecular consequence: splice acceptor variant. On other transcripts: intron variant (1).
Genome position (GRCh38, 1-based): chr10:71,725,370, A>G. VCF-style: chr10-71725370-A-G. GRCh37 (hg19) VCF-style: chr10-73485127-A-G.
Other names: c.3431-2A>G (NM_001171930.2); c.-5-9028T>C (NM_001168390.2).
Identifiers: ClinVar variation 1503611 (VCV001503611.8), dbSNP rs2132804872, ClinGen allele CA377151903.
Genomic context (GRCh38, chr10:71,725,370, plus strand): 5'-CCAGCACAGCAGGAGACTTCTGGGCAGGGCCGGTGTTCCAGGGGGTCTGTCCCTCCACAC[A>G]GGTAACCATGGCAACAACTTCCGGATCCATGTCAGCAATGGGCTCCTGATGCGAGGGCCC-3'

ClinVar aggregate classification (germline): Likely pathogenic. Review status: criteria provided, multiple submitters, no conflicts (2 of 4 stars). 3 submissions from 3 submitters: Likely pathogenic (3). Last evaluated 2026-05-11.

Conditions:
Usher syndrome type 1 (USH1). Also called: RETINITIS PIGMENTOSA AND CONGENITAL DEAFNESS. Identifiers: Orphanet 231169, Orphanet 886, MedGen C1568247, MONDO:0010168, OMIM 276900.
Usher syndrome. Also called: Usher Syndromes; Usher's syndrome. Identifiers: Orphanet 886, MedGen CN469326, MeSH D052245, MONDO:0019501. Disease mechanism: loss of function.

Allele frequency attached by ClinVar (database versions not stated): gnomAD exomes below 0.00001.
gnomAD v4.1: 6 of 1,613,972 alleles (0.00037%); highest among the groups gnomAD compares: Non-Finnish European, 0.00051%; no homozygotes.

Submissions (3):

Women's Health and Genetics/Laboratory Corporation of America, LabCorp
Classification: Likely pathogenic for Usher syndrome. Last evaluated: 2026-05-11. Review status: criteria provided, single submitter. Criteria: LabCorp Variant Classification Summary - May 2015. Collection method: clinical testing. Allele origin: germline.
Comment: Variant summary: CDH23 c.3431-2A>G is located in a canonical splice-site and is predicted to affect mRNA splicing resulting in a significantly altered protein due to either exon skipping, shortening, or inclusion of intronic material. Variants that disrupt the consensus splice site are a relatively common cause of aberrant splicing and loss of CDH23 function. Several computational tools predict a significant impact on normal splicing: Four predict the variant abolishes a 3' acceptor site. Three predict the variant weakens a cryptic 5' donor site. However, these predictions have yet to be confirmed by functional studies. The variant was absent in 249168 control chromosomes. To our knowledge, no occurrence of c.3431-2A>G in individuals affected with CDH23-related conditions and no experimental evidence demonstrating its impact on protein function have been reported. ClinVar contains an entry for this variant (Variation ID: 1503611). Based on the evidence outlined above, the variant was classified as likely pathogenic.

Natera, Inc.
Classification: Likely pathogenic for Usher syndrome type 1. Last evaluated: 2024-10-14. Review status: criteria provided, single submitter. Criteria: Natera Variant Classification Schema (03/2026). Collection method: clinical testing. Allele origin: germline.
Comment: The c.3431-2A>G variant in CDH23 is a canonical splice acceptor site variant predicted to affect pre-mRNA splicing, which may result in an abnormal transcript and altered protein product. This variant is expected to result in nonsense mediated decay, truncation, or a dysfunctional protein product. This variant is rare in the general population with a frequency below the threshold expected for the associated phenotype(s). Given the available evidence, this variant is classified as Likely Pathogenic.

Labcorp Genetics (formerly Invitae), Labcorp
Classification: Likely pathogenic. Last evaluated: 2021-08-07. Review status: criteria provided, single submitter. Criteria: Invitae Variant Classification Sherloc (09022015). Collection method: clinical testing. Allele origin: germline.
Comment: This sequence change affects an acceptor splice site in intron 29 of the CDH23 gene. It is expected to disrupt RNA splicing. Variants that disrupt the donor or acceptor splice site typically lead to a loss of protein function (PMID: 16199547), and loss-of-function variants in CDH23 are known to be pathogenic (PMID: 11138009, 21940737). This variant is not present in population databases (ExAC no frequency). This variant has not been reported in the literature in individuals affected with CDH23-related conditions. Algorithms developed to predict the effect of sequence changes on RNA splicing suggest that this variant may disrupt the consensus splice site. In summary, the currently available evidence indicates that the variant is pathogenic, but additional data are needed to prove that conclusively. Therefore, this variant has been classified as Likely Pathogenic.

Literature cited by the submitters: PubMed 16199547 (cited by Labcorp Genetics (formerly Invitae), Labcorp); PubMed 11138009 (cited by Labcorp Genetics (formerly Invitae), Labcorp); PubMed 21940737 (cited by Labcorp Genetics (formerly Invitae), Labcorp).